The following is an entry in ClinVar:

ClinVar aggregate classification (germline): Uncertain significance (1 of 4 stars; one submission).

Conditions:
Neuropathy, hereditary sensory and autonomic, type 2A (HSAN2A). Also called: HSAN IIA; WNK1-Related HSAN2 (HSAN2A); ACROOSTEOLYSIS, GIACCAI TYPE; ACROOSTEOLYSIS, NEUROGENIC; MORVAN DISEASE; NEUROPATHY, CONGENITAL SENSORY. Identifiers: Orphanet 970, MedGen C2752089, MONDO:0024309, OMIM 201300.
Pseudohypoaldosteronism type 2C (PHA2C). Also called: Pseudohypoaldosteronism Type IIC. Identifiers: Orphanet 757, Orphanet 88940, MedGen C1840391, MONDO:0013778, OMIM 614492.

Submission:

Labcorp Genetics (formerly Invitae), Labcorp
Classification: Uncertain significance for Neuropathy, hereditary sensory and autonomic, type 2A; Pseudohypoaldosteronism type 2C. Last evaluated: 2022-06-18. Review status: criteria provided, single submitter. Criteria: Invitae Variant Classification Sherloc (09022015). Collection method: clinical testing. Allele origin: germline.
Comment: This sequence change replaces lysine, which is basic and polar, with asparagine, which is neutral and polar, at codon 63 of the WNK1 protein (p.Lys63Asn). In summary, the available evidence is currently insufficient to determine the role of this variant in disease. Therefore, it has been classified as a Variant of Uncertain Significance. This variant has not been reported in the literature in individuals affected with WNK1-related conditions. Advanced modeling of protein sequence and biophysical properties (such as structural, functional, and spatial information, amino acid conservation, physicochemical variation, residue mobility, and thermodynamic stability) performed at Invitae indicates that this missense variant is not expected to disrupt WNK1 protein function. This variant is not present in population databases (gnomAD no frequency).

NM_018979.4(WNK1):c.189G>C (p.Lys63Asn)

Gene: WNK1 (WNK lysine deficient protein kinase 1; plus strand). Cytogenetic location: 12p13.33.
Variant type: single nucleotide variant.
Coding change: c.189G>C on transcript NM_018979.4 (MANE Select); coding-DNA position 189, G replaced by C.
Protein change: p.Lys63Asn; replaces lysine 63 with asparagine.
Molecular consequence: missense variant.
Genome position (GRCh38, 1-based): chr12:753,754, G>C. VCF-style: chr12-753754-G-C. GRCh37 (hg19) VCF-style: chr12-862920-G-C.
Other names: c.189G>C, p.Lys63Asn (NM_001184985.2, NM_014823.3, NM_213655.5); short protein forms K63N.
Identifiers: ClinVar variation 1966953 (VCV001966953.5), dbSNP rs1297655112, ClinGen allele CA383304169.